The following is an entry in ClinVar:

NM_000443.4(ABCB4):c.356A>G (p.Tyr119Cys)

Gene: ABCB4 (ATP binding cassette subfamily B member 4; minus strand). Cytogenetic location: 7q21.12.
Variant type: single nucleotide variant.
Coding change: c.356A>G on transcript NM_000443.4 (MANE Select); coding-DNA position 356, A replaced by G.
Protein change: p.Tyr119Cys; replaces tyrosine 119 with cysteine.
Molecular consequence: missense variant.
Genome position (GRCh38, 1-based): chr7:87,453,124, T>C on the plus strand (A>G on the coding strand, the complement: ABCB4 is on the minus strand). VCF-style: chr7-87453124-T-C. GRCh37 (hg19) VCF-style: chr7-87082440-T-C.
Other names: c.356A>G, p.Tyr119Cys (NM_018849.3, NM_018850.3); short protein forms Y119C.
Identifiers: ClinVar variation 4992307 (VCV004992307.1).

ClinVar aggregate classification (germline): Uncertain significance (1 of 4 stars; one submission).

Conditions:
ABCB4-related disorder. Also called: ABCB4-related disorders; ABCB4-related condition.

gnomAD v4.1: 1 of 1,613,954 alleles (0.000062%); highest among the groups gnomAD compares: South Asian, 0.0011%; no homozygotes.

Submission:

PreventionGenetics, part of Exact Sciences
Classification: Uncertain significance for ABCB4-related condition. Last evaluated: 2026-01-23. Review status: criteria provided, single submitter. Criteria: ACMG Guidelines, 2015. Collection method: clinical testing. Allele origin: germline.
Comment: The ABCB4 c.356A>G variant is predicted to result in the amino acid substitution p.Tyr119Cys. To our knowledge, this variant has not been reported in the literature or in a large population database (gnomAD), indicating this variant is rare. At this time, the clinical significance of this variant is uncertain due to the absence of conclusive functional and genetic evidence.